The following is an entry in ClinVar:

NM_032383.5(HPS3):c.1A>C (p.Met1Leu)

Gene: HPS3 (HPS3 biogenesis of lysosomal organelles complex 2 subunit 1; plus strand). Cytogenetic location: 3q24.
Variant type: single nucleotide variant.
Coding change: c.1A>C on transcript NM_032383.5 (MANE Select); coding-DNA position 1, A replaced by C.
Protein change: p.Met1Leu; changes the start codon (methionine 1).
Molecular consequence: missense variant, initiator codon variant.
Genome position (GRCh38, 1-based): chr3:149,129,724, A>C. VCF-style: chr3-149129724-A-C. GRCh37 (hg19) VCF-style: chr3-148847511-A-C.
Other names: c.1A>C, p.Met1Leu (NM_001308258.2); short protein forms M1L.
Identifiers: ClinVar variation 1911072 (VCV001911072.6), dbSNP rs1048433198, ClinGen allele CA354906106.

ClinVar aggregate classification (germline): Conflicting classifications of pathogenicity. Review status: criteria provided, conflicting classifications (1 of 4 stars). 2 submissions from 2 submitters: Likely pathogenic (1); Uncertain significance (1). Last evaluated 2024-05-20.

Conditions:
HPS3-related disorders.

Submissions (2):

Labcorp Genetics (formerly Invitae), Labcorp
Classification: Uncertain significance. Last evaluated: 2024-05-20. Review status: criteria provided, single submitter. Criteria: Invitae Variant Classification Sherloc (09022015). Collection method: clinical testing. Allele origin: germline.
Comment: This sequence change affects the initiator methionine of the HPS3 mRNA. The next in-frame methionine is located at codon 108. This variant is present in population databases (no rsID available, gnomAD no frequency). This variant has not been reported in the literature in individuals affected with HPS3-related conditions. ClinVar contains an entry for this variant (Variation ID: 1911072). Experimental studies and prediction algorithms are not available or were not evaluated, and the functional significance of this variant is currently unknown. In summary, the available evidence is currently insufficient to determine the role of this variant in disease. Therefore, it has been classified as a Variant of Uncertain Significance.

Blueprint Genetics
Classification: Likely pathogenic for HPS3-related disorders. Last evaluated: 2021-10-14. Review status: criteria provided, single submitter. Criteria: ACMG Guidelines, 2015. Collection method: clinical testing. Allele origin: germline. Affected: yes. Observed: 1 variant allele.